The following is an entry in ClinVar:

NM_000352.6(ABCC8):c.3928G>T (p.Ala1310Ser)

Gene: ABCC8 (ATP binding cassette subfamily C member 8; minus strand). Cytogenetic location: 11p15.1.
Variant type: single nucleotide variant.
Coding change: c.3928G>T on transcript NM_000352.6 (MANE Select); coding-DNA position 3928, G replaced by T.
Protein change: p.Ala1310Ser; replaces alanine 1310 with serine.
Molecular consequence: missense variant. On other transcripts: non-coding transcript variant (1).
Genome position (GRCh38, 1-based): chr11:17,397,253, C>A on the plus strand (G>T on the coding strand, the complement: ABCC8 is on the minus strand). VCF-style: chr11-17397253-C-A. GRCh37 (hg19) VCF-style: chr11-17418800-C-A.
Other names: c.3931G>T, p.Ala1311Ser (NM_001287174.3); c.3994G>T, p.Ala1332Ser (NM_001351295.2); c.3928G>T, p.Ala1310Ser (NM_001351296.2); c.3925G>T, p.Ala1309Ser (NM_001351297.2); short protein forms A1309S, A1310S, A1311S, A1332S.
Identifiers: ClinVar variation 2502189 (VCV002502189.3), dbSNP rs745417115, ClinGen allele CA5902646.
Genomic context (GRCh38, chr11:17,397,253, plus strand): 5'-CCAGGAGCCCCTCGTAGCTCTCTGCCTCGGTTTTCAGGAGCCCATGGATGCGCTTCACAG[C>A]CCCCAGCTGGAGCTCCATGTCTGCCAGGTTCCTCACCATCCAGTTGAGGTAGTTGGAGAC-3'
Protein context (NP_000343.2, residues 1300-1320): NLADMELQLG[Ala1310Ser]VKRIHGLLKT

ClinVar aggregate classification (germline): Uncertain significance. Review status: criteria provided, multiple submitters, no conflicts (2 of 4 stars). 2 submissions from 2 submitters: Uncertain significance (2). Last evaluated 2024-04-30.

Conditions:
Leucine-induced hypoglycemia (LIH). Also called: LEUCINE-SENSITIVE HYPOGLYCEMIA OF INFANCY. Identifiers: MedGen C0271714, MONDO:0009415, OMIM 240800.
Diabetes mellitus, permanent neonatal 3. Also called: ABCC8-Related Permanent Neonatal Diabetes Mellitus. Identifiers: MedGen C5394303, MONDO:0030088, OMIM 618857.
Diabetes mellitus, transient neonatal, 2 (TNDM2). Identifiers: Orphanet 99886, MedGen C1835887, MONDO:0012480, OMIM 610374. Disease mechanism: loss of function.
Type 2 diabetes mellitus. Also called: Type II diabetes mellitus. Identifiers: MedGen C0011860, MeSH D003924, MONDO:0005148, OMIM 125853, HP:0005978.
Hyperinsulinemic hypoglycemia, familial, 1 (HHF1). Also called: Persistent hyperinsulinemic hypoglycemia of infancy; HYPERINSULINISM, FAMILIAL, WITH PANCREATIC NESIDIOBLASTOSIS; HYPOGLYCEMIA, HYPERINSULINEMIC, OF INFANCY; NESIDIOBLASTOSIS OF PANCREAS; Persistent Hyperinsulinemia Hypoglycemia of Infancy. Identifiers: Orphanet 276575, Orphanet 276598, MedGen C2931832, MONDO:0009734, OMIM 256450.

Allele frequency attached by ClinVar (database versions not stated): ExAC 0.00001; gnomAD 0.00001; gnomAD exomes 0.00001.
gnomAD v4.1: 10 of 1,613,470 alleles (0.00062%); highest among the groups gnomAD compares: South Asian, 0.0088%; no homozygotes.

Submissions (2):

Fulgent Genetics
Classification: Uncertain significance for Type 2 diabetes mellitus; Leucine-induced hypoglycemia; Hyperinsulinemic hypoglycemia, familial, 1; Diabetes mellitus, transient neonatal, 2; Diabetes mellitus, permanent neonatal 3. Last evaluated: 2024-04-30. Review status: criteria provided, single submitter. Criteria: ACMG Guidelines, 2015. Collection method: clinical testing. Allele origin: germline.

New York Genome Center
Classification: Uncertain significance for Hyperinsulinemic hypoglycemia, familial, 1; Type 2 diabetes mellitus. Last evaluated: 2022-06-23. Review status: criteria provided, single submitter. Criteria: NYGC Assertion Criteria 2020. Collection method: clinical testing. Allele origin: germline. Observed: 1 heterozygote.
Comment: The c.3928G>T variant in ABCC8 has not previously been reported in the literature or public variant repositories (ClinVar and LOVD). The c.3928G>T variant is observed in 5 alleles (~0.001% minor allele frequency with 0 homozygotes) in population databases (gnomAD v2.1.1 and v3.1.2, TOPMed Freeze 8), suggesting it is not a common benign variant in the populations represented in those databases. The c.3928G>T variant in ABCC8 is located in exon 32 of this 39-exon gene, and is predicted to replace an evolutionarily conserved alanine amino acid with serine at position 1310 (p.(Ala1310Ser)) in the last cytoplasmic domain of the encoded protein.In silico predictions are not in favor of damaging effect for the p.(Ala1310Ser) variant [CADD v1.6 = 19.68, REVEL = 0.436]; however, there are no functional studies to support or refute these predictions. Based on available evidence this c.3928G>T p.(Ala1310Ser) variant identified in ABCC8 is classified as a Variant of Uncertain Significance.